The following is an entry in ClinVar:

NM_000179.3(MSH6):c.3206G>A (p.Gly1069Glu)

Gene: MSH6 (mutS homolog 6; plus strand). Cytogenetic location: 2p16.3.
Variant type: single nucleotide variant.
Coding change: c.3206G>A on transcript NM_000179.3 (MANE Select); coding-DNA position 3206, G replaced by A.
Protein change: p.Gly1069Glu; replaces glycine 1069 with glutamic acid.
Molecular consequence: missense variant.
Genome position (GRCh38, 1-based): chr2:47,803,453, G>A. VCF-style: chr2-47803453-G-A. GRCh37 (hg19) VCF-style: chr2-48030592-G-A.
Other names: c.2816G>A, p.Gly939Glu (NM_001281492.2); c.2300G>A, p.Gly767Glu (NM_001281493.2, NM_001281494.2); short protein forms G1069E, G767E, G939E.
Identifiers: ClinVar variation 89353 (VCV000089353.17), dbSNP rs63750784, ClinGen allele CA011957.

ClinVar aggregate classification (germline): Conflicting classifications of pathogenicity. Review status: criteria provided, conflicting classifications (1 of 4 stars). 4 submissions from 4 submitters: Uncertain significance (3); Likely benign (1). Last evaluated 2025-01-06.

Conditions:
Hereditary nonpolyposis colorectal neoplasms. Identifiers: MedGen C0009405, MeSH D003123.
Hereditary cancer-predisposing syndrome. Also called: Tumor predisposition; Hereditary Cancer Syndrome; Hereditary neoplastic syndrome; Neoplastic Syndromes, Hereditary. Identifiers: Orphanet 140162, MedGen C0027672, MeSH D009386, MONDO:0015356.

Allele frequency attached by ClinVar (database versions not stated): gnomAD exomes below 0.00001.
gnomAD v4.1: 3 of 1,614,132 alleles (0.00019%); highest among the groups gnomAD compares: Non-Finnish European, 0.00017%; no homozygotes.

Submissions (4):

Women's Health and Genetics/Laboratory Corporation of America, LabCorp
Classification: Uncertain significance. Last evaluated: 2025-01-06. Review status: criteria provided, single submitter. Criteria: LabCorp Variant Classification Summary - May 2015. Collection method: clinical testing. Allele origin: germline.
Comment: Variant summary: MSH6 c.3206G>A (p.Gly1069Glu) results in a non-conservative amino acid change in the encoded protein sequence. Three of five in-silico tools predict a damaging effect of the variant on protein function. The variant allele was found at a frequency of 4e-06 in 251358 control chromosomes. The available data on variant occurrences in the general population are insufficient to allow any conclusion about variant significance. c.3206G>A has been reported in the literature in individuals affected with Lynch Syndrome or related disorders. These report(s) do not provide unequivocal conclusions about association of the variant with Lynch Syndrome. To our knowledge, no experimental evidence demonstrating an impact on protein function has been reported. The following publications have been ascertained in the context of this evaluation (PMID: 35089076, 17973265). ClinVar contains an entry for this variant (Variation ID: 89353). Based on the evidence outlined above, the variant was classified as uncertain significance.

Labcorp Genetics (formerly Invitae), Labcorp
Classification: Likely benign for Hereditary nonpolyposis colorectal neoplasms. Last evaluated: 2024-09-17. Review status: criteria provided, single submitter. Criteria: Invitae Variant Classification Sherloc (09022015). Collection method: clinical testing. Allele origin: germline.

Ambry Genetics
Classification: Uncertain significance for Hereditary cancer-predisposing syndrome. Last evaluated: 2022-01-27. Review status: criteria provided, single submitter. Criteria: Ambry Variant Classification Scheme 2023. Collection method: clinical testing. Allele origin: germline.
Comment: The p.G1069E variant (also known as c.3206G>A), located in coding exon 5 of the MSH6 gene, results from a G to A substitution at nucleotide position 3206. The glycine at codon 1069 is replaced by glutamic acid, an amino acid with similar properties. This amino acid position is well conserved in available vertebrate species. In addition, this alteration is predicted to be deleterious by in silico analysis. Since supporting evidence is limited at this time, the clinical significance of this alteration remains unclear.

Color Diagnostics, LLC DBA Color Health
Classification: Uncertain significance for Hereditary cancer-predisposing syndrome. Last evaluated: 2021-09-02. Review status: criteria provided, single submitter. Criteria: ACMG Guidelines, 2015. Collection method: clinical testing. Allele origin: germline.
Comment: This missense variant replaces glycine with glutamic acid at codon 1069 of the MSH6 protein. Computational prediction is inconclusive regarding the impact of this variant on protein structure and function (internally defined REVEL score threshold 0.5 < inconclusive < 0.7, PMID: 27666373). To our knowledge, functional studies have not been reported for this variant. This variant has been observed in an individual affected with high microsatellite-instability endometrial cancer that has loss of MSH6 protein by immunohistochemistry (PMID: 17973265, 23621914, 29442399). This variant has been identified in 1/251358 chromosomes in the general population by the Genome Aggregation Database (gnomAD). The available evidence is insufficient to determine the role of this variant in disease conclusively. Therefore, this variant is classified as a Variant of Uncertain Significance.

Literature cited by the submitters: PubMed 35089076 (cited by Women's Health and Genetics/Laboratory Corporation of America, LabCorp); PubMed 17973265 (cited by 3 submitters); PubMed 23621914 (cited by Color Diagnostics, LLC DBA Color Health); PubMed 29442399 (cited by Color Diagnostics, LLC DBA Color Health).